The following is an entry in ClinVar:

ClinVar aggregate classification (germline): Uncertain significance. Review status: criteria provided, multiple submitters, no conflicts (2 of 4 stars). 2 submissions from 2 submitters: Uncertain significance (2). Last evaluated 2025-04-28.

Allele frequency attached by ClinVar (database versions not stated): gnomAD 0.00001 and 0.00003; ExAC 0.00002; TOPMed 0.00003; 1000 Genomes Project 30x 0.00016; 1000 Genomes Project 0.00020.
gnomAD v4.1: 12 of 1,613,634 alleles (0.00074%); highest among the groups gnomAD compares: Admixed American, 0.0067%; no homozygotes.

Submissions (2):

GeneDx
Classification: Uncertain significance. Last evaluated: 2025-04-28. Review status: criteria provided, single submitter. Criteria: GeneDx Variant Classification Process June 2021. Collection method: clinical testing. Allele origin: germline. Affected: yes.
Comment: In silico analysis indicates that this missense variant does not alter protein structure/function; Has not been previously published as pathogenic or benign to our knowledge

Labcorp Genetics (formerly Invitae), Labcorp
Classification: Uncertain significance. Last evaluated: 2023-12-11. Review status: criteria provided, single submitter. Criteria: Invitae Variant Classification Sherloc (09022015). Collection method: clinical testing. Allele origin: germline.
Comment: This sequence change replaces alanine, which is neutral and non-polar, with valine, which is neutral and non-polar, at codon 1434 of the PCDH15 protein (p.Ala1434Val). This variant is present in population databases (rs572629527, gnomAD 0.008%). This variant has not been reported in the literature in individuals affected with PCDH15-related conditions. ClinVar contains an entry for this variant (Variation ID: 1320659). Algorithms developed to predict the effect of missense changes on protein structure and function output the following: SIFT: "Not Available"; PolyPhen-2: "Benign"; Align-GVGD: "Not Available". The valine amino acid residue is found in multiple mammalian species, which suggests that this missense change does not adversely affect protein function. In summary, the available evidence is currently insufficient to determine the role of this variant in disease. Therefore, it has been classified as a Variant of Uncertain Significance.

NM_001384140.1(PCDH15):c.4301C>T (p.Ala1434Val)

Gene: PCDH15 (protocadherin related 15; minus strand). Cytogenetic location: 10q21.1.
Variant type: single nucleotide variant.
Coding change: c.4301C>T on transcript NM_001384140.1 (MANE Select); coding-DNA position 4301, C replaced by T.
Protein change: p.Ala1434Val; replaces alanine 1434 with valine.
Molecular consequence: missense variant.
Genome position (GRCh38, 1-based): chr10:53,827,459, G>A on the plus strand (C>T on the coding strand, the complement: PCDH15 is on the minus strand). VCF-style: chr10-53827459-G-A. GRCh37 (hg19) VCF-style: chr10-55587219-G-A.
Other names: c.4316C>T, p.Ala1439Val (NM_001142763.2, NM_001142771.2); c.4301C>T, p.Ala1434Val (NM_001142764.2, NM_001142770.3, NM_001142772.2 and 3 more transcripts); c.4088C>T, p.Ala1363Val (NM_001142765.2); c.4292C>T, p.Ala1431Val (NM_001142766.2); c.4181C>T, p.Ala1394Val (NM_001142767.2); c.4235C>T, p.Ala1412Val (NM_001142768.2, NM_001354404.2); c.4337C>T, p.Ala1446Val (NM_001142769.4); c.4226C>T, p.Ala1409Val (NM_001142773.2); and 1 more; short protein forms A1363V, A1394V, A1409V, A1412V, A1431V, A1434V, A1439V, A1441V.
Identifiers: ClinVar variation 1320659 (VCV001320659.6), dbSNP rs572629527, ClinGen allele CA5505381.